The following is an entry in ClinVar:

ClinVar aggregate classification (germline): Uncertain significance (1 of 4 stars; one submission).

Conditions:
Rhabdoid tumor predisposition syndrome 2 (RTPS2). Identifiers: Orphanet 231108, Orphanet 69077, MedGen C2750074, MONDO:0013224, OMIM 613325.

Submission:

Labcorp Genetics (formerly Invitae), Labcorp
Classification: Uncertain significance for Rhabdoid tumor predisposition syndrome 2. Last evaluated: 2023-10-22. Review status: criteria provided, single submitter. Criteria: Invitae Variant Classification Sherloc (09022015). Collection method: clinical testing. Allele origin: germline.
Comment: This sequence change replaces proline, which is neutral and non-polar, with arginine, which is basic and polar, at codon 1521 of the SMARCA4 protein (p.Pro1521Arg). This variant is not present in population databases (gnomAD no frequency). This variant has not been reported in the literature in individuals affected with SMARCA4-related conditions. Advanced modeling of protein sequence and biophysical properties (such as structural, functional, and spatial information, amino acid conservation, physicochemical variation, residue mobility, and thermodynamic stability) has been performed at Invitae for this missense variant, however the output from this modeling did not meet the statistical confidence thresholds required to predict the impact of this variant on SMARCA4 protein function. In summary, the available evidence is currently insufficient to determine the role of this variant in disease. Therefore, it has been classified as a Variant of Uncertain Significance.

NM_003072.5(SMARCA4):c.4466C>G (p.Pro1489Arg)

Gene: SMARCA4 (SWI/SNF related BAF chromatin remodeling complex subunit ATPase 4; plus strand). Cytogenetic location: 19p13.2.
Variant type: single nucleotide variant.
Coding change: c.4466C>G on transcript NM_003072.5 (MANE Select); coding-DNA position 4466, C replaced by G.
Protein change: p.Pro1489Arg; replaces proline 1489 with arginine.
Molecular consequence: missense variant. On other transcripts: non-coding transcript variant (1).
Genome position (GRCh38, 1-based): chr19:11,058,296, C>G. VCF-style: chr19-11058296-C-G. GRCh37 (hg19) VCF-style: chr19-11168972-C-G.
Other names: c.4466C>G, p.Pro1489Arg (NM_001128844.3); c.4376C>G, p.Pro1459Arg (NM_001128845.2); c.4373C>G, p.Pro1458Arg (NM_001128846.2); c.4367C>G, p.Pro1456Arg (NM_001128847.4, NM_001374457.1); c.4364C>G, p.Pro1455Arg (NM_001128848.2); c.4562C>G, p.Pro1521Arg (NM_001128849.3, NM_001387283.1); c.4463C>G, p.Pro1488Arg (NM_001411150.1); short protein forms P1521R, P1456R, P1488R, P1489R, P1455R, P1458R, P1459R.
Identifiers: ClinVar variation 2770890 (VCV002770890.3), dbSNP rs2147086080, ClinGen allele CA404077496.